The following is an entry in ClinVar:

ClinVar aggregate classification (germline): Uncertain significance. Review status: criteria provided, multiple submitters, no conflicts (2 of 4 stars). 2 submissions from 2 submitters: Uncertain significance (2). Last evaluated 2024-04-09.

Conditions:
Hereditary cancer-predisposing syndrome. Also called: Neoplastic Syndromes, Hereditary; Hereditary Cancer Syndrome; Hereditary neoplastic syndrome; Tumor predisposition. Identifiers: Orphanet 140162, MedGen C0027672, MeSH D009386, MONDO:0015356.
Fanconi anemia complementation group J. Also called: BRIP1-Related Fanconi Anemia. Identifiers: Orphanet 84, MedGen C1836860, MONDO:0012187, OMIM 609054.
Familial cancer of breast. Also called: hereditary breast carcinoma; BREAST CANCER, FAMILIAL; Hereditary breast cancer. Identifiers: Orphanet 227535, MedGen C0346153, MONDO:0016419, OMIM 114480. Disease mechanism: loss of function.

Allele frequency attached by ClinVar (database versions not stated): ExAC 0.00001; ESP Exome Variant Server 0.00008.

Submissions (2):

Ambry Genetics
Classification: Uncertain significance for Hereditary cancer-predisposing syndrome. Last evaluated: 2024-04-09. Review status: criteria provided, single submitter. Criteria: Ambry Variant Classification Scheme 2023. Collection method: clinical testing. Allele origin: germline.
Comment: The p.A1159S variant (also known as c.3475G>T), located in coding exon 19 of the BRIP1 gene, results from a G to T substitution at nucleotide position 3475. The alanine at codon 1159 is replaced by serine, an amino acid with similar properties. This amino acid position is not well conserved in available vertebrate species. In addition, this alteration is predicted to be tolerated by in silico analysis. Since supporting evidence is limited at this time, the clinical significance of this alteration remains unclear.

Labcorp Genetics (formerly Invitae), Labcorp
Classification: Uncertain significance for Familial cancer of breast; Fanconi anemia complementation group J. Last evaluated: 2022-01-03. Review status: criteria provided, single submitter. Criteria: Invitae Variant Classification Sherloc (09022015). Collection method: clinical testing. Allele origin: germline.
Comment: This sequence change replaces alanine, which is neutral and non-polar, with serine, which is neutral and polar, at codon 1159 of the BRIP1 protein (p.Ala1159Ser). This variant is present in population databases (rs368610199, gnomAD 0.0009%). This variant has not been reported in the literature in individuals affected with BRIP1-related conditions. ClinVar contains an entry for this variant (Variation ID: 823817). Algorithms developed to predict the effect of missense changes on protein structure and function (SIFT, PolyPhen-2, Align-GVGD) all suggest that this variant is likely to be tolerated. In summary, the available evidence is currently insufficient to determine the role of this variant in disease. Therefore, it has been classified as a Variant of Uncertain Significance.

NM_032043.3(BRIP1):c.3475G>T (p.Ala1159Ser)

Gene: BRIP1 (BRCA1 interacting DNA helicase 1; minus strand). Cytogenetic location: 17q23.2.
Variant type: single nucleotide variant.
Coding change: c.3475G>T on transcript NM_032043.3 (MANE Select); coding-DNA position 3475, G replaced by T.
Protein change: p.Ala1159Ser; replaces alanine 1159 with serine.
Molecular consequence: missense variant.
Genome position (GRCh38, 1-based): chr17:61,683,571, C>A on the plus strand (G>T on the coding strand, the complement: BRIP1 is on the minus strand). VCF-style: chr17-61683571-C-A. GRCh37 (hg19) VCF-style: chr17-59760932-C-A.
Other names: short protein forms A1159S.
Identifiers: ClinVar variation 823817 (VCV000823817.13), dbSNP rs368610199, ClinGen allele CA8690359.
Genomic context (GRCh38, chr17:61,683,571, plus strand): 5'-CTTCTTTTATAGTTCTAATTTCAAAAAGGTCTTTAGCTAAAATGCAATCTGAATTGTTAG[C>A]CAATCTATTTCCTCTATCAGTTTCAGCTAGGTCATTTTTTTCTTCATCTGTATCTTCAGG-3'
Protein context (NP_114432.2, residues 1149-1169): LAETDRGNRL[Ala1159Ser]NNSDCILAKD